The following is an entry in ClinVar:

ClinVar aggregate classification (germline): Uncertain significance (1 of 4 stars; one submission).

Submission:

Labcorp Genetics (formerly Invitae), Labcorp
Classification: Uncertain significance. Last evaluated: 2025-02-27. Review status: criteria provided, single submitter. Criteria: Invitae Variant Classification Sherloc (09022015). Collection method: clinical testing. Allele origin: germline.
Comment: This sequence change replaces glycine, which is neutral and non-polar, with valine, which is neutral and non-polar, at codon 536 of the KRT6C protein (p.Gly536Val). This variant is present in population databases (rs749545344, gnomAD 0.009%). This variant has not been reported in the literature in individuals affected with KRT6C-related conditions. Invitae Evidence Modeling of protein sequence and biophysical properties (such as structural, functional, and spatial information, amino acid conservation, physicochemical variation, residue mobility, and thermodynamic stability) indicates that this missense variant is not expected to disrupt KRT6C protein function with a negative predictive value of 95%. In summary, the available evidence is currently insufficient to determine the role of this variant in disease. Therefore, it has been classified as a Variant of Uncertain Significance.

NM_173086.5(KRT6C):c.1607G>T (p.Gly536Val)

Gene: KRT6C (keratin 6C; minus strand). Cytogenetic location: 12q13.13.
Variant type: single nucleotide variant.
Coding change: c.1607G>T on transcript NM_173086.5 (MANE Select); coding-DNA position 1607, G replaced by T.
Protein change: p.Gly536Val; replaces glycine 536 with valine.
Molecular consequence: missense variant.
Genome position (GRCh38, 1-based): chr12:52,469,150, C>A on the plus strand (G>T on the coding strand, the complement: KRT6C is on the minus strand). VCF-style: chr12-52469150-C-A. GRCh37 (hg19) VCF-style: chr12-52862934-C-A.
Other names: short protein forms G536V.
Identifiers: ClinVar variation 4749712 (VCV004749712.1).